The following is an entry in ClinVar:

ClinVar aggregate classification (germline): Uncertain significance (1 of 4 stars; one submission).

Allele frequency attached by ClinVar (database versions not stated): gnomAD exomes 0.00001.
gnomAD v4.1: 12 of 1,613,708 alleles (0.00074%); highest among the groups gnomAD compares: Non-Finnish European, 0.001%; no homozygotes.

Submission:

Labcorp Genetics (formerly Invitae), Labcorp
Classification: Uncertain significance. Last evaluated: 2025-04-17. Review status: criteria provided, single submitter. Criteria: Invitae Variant Classification Sherloc (09022015). Collection method: clinical testing. Allele origin: germline.
Comment: This sequence change replaces valine, which is neutral and non-polar, with isoleucine, which is neutral and non-polar, at codon 330 of the SEMA4A protein (p.Val330Ile). This variant is not present in population databases (gnomAD no frequency). This variant has not been reported in the literature in individuals affected with SEMA4A-related conditions. ClinVar contains an entry for this variant (Variation ID: 1010638). An algorithm developed to predict the effect of missense changes on protein structure and function outputs the following: PolyPhen-2: "Benign". The isoleucine amino acid residue is found in multiple mammalian species, which suggests that this missense change does not adversely affect protein function. In summary, the available evidence is currently insufficient to determine the role of this variant in disease. Therefore, it has been classified as a Variant of Uncertain Significance.

NM_022367.4(SEMA4A):c.988G>A (p.Val330Ile)

Gene: SEMA4A (semaphorin 4A; plus strand). Cytogenetic location: 1q22.
Variant type: single nucleotide variant.
Coding change: c.988G>A on transcript NM_022367.4 (MANE Select); coding-DNA position 988, G replaced by A.
Protein change: p.Val330Ile; replaces valine 330 with isoleucine.
Molecular consequence: missense variant.
Genome position (GRCh38, 1-based): chr1:156,162,948, G>A. VCF-style: chr1-156162948-G-A. GRCh37 (hg19) VCF-style: chr1-156132739-G-A.
Other names: c.988G>A, p.Val330Ile (NM_001193300.2, NM_001193301.2, NM_001370567.1); c.592G>A, p.Val198Ile (NM_001193302.2); c.691G>A, p.Val231Ile (NM_001370568.1); c.481G>A, p.Val161Ile (NM_001370569.1, NM_001370571.1); short protein forms V161I, V198I, V231I, V330I.
Identifiers: ClinVar variation 1010638 (VCV001010638.8), dbSNP rs939526871, ClinGen allele CA31034317.
Genomic context (GRCh38, chr1:156,162,948, plus strand): 5'-AGAGAGCTGCTGGTGTGGCAGAGACCACAGACAATGTTCCCTCTGGCTGTCTCCAGGCAG[G>A]TTGGCGGGACCAGGAGCTCTGCGGTTTGTGCCTTCTCTCTCTTGGACATTGAACGTGTCT-3'
Protein context (NP_071762.2, residues 320-340): IYAVFTSQWQ[Val330Ile]GGTRSSAVCA